The following is an entry in ClinVar:

NM_002291.3(LAMB1):c.5341G>A (p.Val1781Met)

Gene: LAMB1 (laminin subunit beta 1; minus strand). Cytogenetic location: 7q31.1.
Variant type: single nucleotide variant.
Coding change: c.5341G>A on transcript NM_002291.3 (MANE Select); coding-DNA position 5341, G replaced by A.
Protein change: p.Val1781Met; replaces valine 1781 with methionine.
Molecular consequence: missense variant.
Genome position (GRCh38, 1-based): chr7:107,923,971, C>T on the plus strand (G>A on the coding strand, the complement: LAMB1 is on the minus strand). VCF-style: chr7-107923971-C-T. GRCh37 (hg19) VCF-style: chr7-107564416-C-T.
Other names: short protein forms V1781M.
Identifiers: ClinVar variation 1422179 (VCV001422179.8), dbSNP rs753456642, ClinGen allele CA4434765.

ClinVar aggregate classification (germline): Uncertain significance (1 of 4 stars; one submission).

Allele frequency attached by ClinVar (database versions not stated): gnomAD exomes 0.00001 and 0.00002; ExAC 0.00002; TOPMed 0.00005.
gnomAD v4.1: 23 of 1,609,846 alleles (0.0014%); highest among the groups gnomAD compares: African/African-American, 0.0027%; no homozygotes.

Submission:

Labcorp Genetics (formerly Invitae), Labcorp
Classification: Uncertain significance. Last evaluated: 2023-07-22. Review status: criteria provided, single submitter. Criteria: Invitae Variant Classification Sherloc (09022015). Collection method: clinical testing. Allele origin: germline.
Comment: In summary, the available evidence is currently insufficient to determine the role of this variant in disease. Therefore, it has been classified as a Variant of Uncertain Significance. An algorithm developed to predict the effect of missense changes on protein structure and function (PolyPhen-2) suggests that this variant is likely to be disruptive. ClinVar contains an entry for this variant (Variation ID: 1422179). This variant has not been reported in the literature in individuals affected with LAMB1-related conditions. This variant is present in population databases (rs753456642, gnomAD 0.006%). This sequence change replaces valine, which is neutral and non-polar, with methionine, which is neutral and non-polar, at codon 1781 of the LAMB1 protein (p.Val1781Met).